The following is an entry in ClinVar:

NM_013314.4(BLNK):c.351C>T (p.Gly117=)

Gene: BLNK (B cell linker; minus strand). Cytogenetic location: 10q24.1.
Variant type: single nucleotide variant.
Coding change: c.351C>T on transcript NM_013314.4 (MANE Select); coding-DNA position 351, C replaced by T.
Protein change: p.Gly117=; no amino-acid change (glycine 117 retained).
Molecular consequence: synonymous variant. On other transcripts: non-coding transcript variant (3), splice donor variant (1).
Genome position (GRCh38, 1-based): chr10:96,227,420, G>A on the plus strand (C>T on the coding strand, the complement: BLNK is on the minus strand). VCF-style: chr10-96227420-G-A. GRCh37 (hg19) VCF-style: chr10-97987176-G-A.
Other names: c.351C>T, p.Gly117= (NM_001114094.2, NM_001258440.2, NM_001258441.2); c.349+2C>T (NM_001258442.2).
Identifiers: ClinVar variation 2044652 (VCV002044652.3), dbSNP rs781863601, ClinGen allele CA5623498.
Genomic context (GRCh38, chr10:96,227,420, plus strand): 5'-CTCCCCATGGGCCTGGAAGGCCGAGTGCCCAGGTCTGCGGGGGACCTCACCTATATACTC[G>A]CCTCTGGCGAAGGGCAGGGCTGGGTGAACCGGCCTGGTTTCCTGCTCTACTGGAGGCGGC-3'
Protein context (NP_037446.1, residues 107-127): PVHPALPFAR[Gly117=]EYIDNRSSQR

ClinVar aggregate classification (germline): Uncertain significance (1 of 4 stars; one submission).

Conditions:
Agammaglobulinemia 4, autosomal recessive (AGM4). Also called: AGAMMAGLOBULINEMIA, AUTOSOMAL RECESSIVE, DUE TO BLNK DEFECT; B cell linker protein deficiency. Identifiers: MedGen C3150752, MONDO:0013289, OMIM 613502.

Allele frequency attached by ClinVar (database versions not stated): ExAC 0.00001; gnomAD 0.00001.
gnomAD v4.1: 6 of 1,613,780 alleles (0.00037%); highest among the groups gnomAD compares: African/African-American, 0.0027%; no homozygotes.

Submission:

Labcorp Genetics (formerly Invitae), Labcorp
Classification: Uncertain significance for Agammaglobulinemia 4, autosomal recessive. Last evaluated: 2022-03-11. Review status: criteria provided, single submitter. Criteria: Invitae Variant Classification Sherloc (09022015). Collection method: clinical testing. Allele origin: germline.
Comment: In summary, the available evidence is currently insufficient to determine the role of this variant in disease. Therefore, it has been classified as a Variant of Uncertain Significance. Algorithms developed to predict the effect of sequence changes on RNA splicing suggest that this variant may disrupt the consensus splice site. This variant has not been reported in the literature in individuals affected with BLNK-related conditions. This variant is present in population databases (rs781863601, gnomAD 0.007%). This sequence change affects codon 117 of the BLNK mRNA. It is a 'silent' change, meaning that it does not change the encoded amino acid sequence of the BLNK protein.